The following is an entry in ClinVar:

ClinVar aggregate classification (germline): Likely pathogenic. Review status: criteria provided, multiple submitters, no conflicts (2 of 4 stars). 2 submissions from 2 submitters: Likely pathogenic (2). Last evaluated 2022-03-12.

Conditions:
Periventricular nodular heterotopia 8. Identifiers: MedGen C4748602, MONDO:0032588, OMIM 618185.

Submissions (2):

Groupe Hospitalier Pitie Salpetriere, Uf Genomique Du Developpement, Assistance Publique Hopitaux de Paris Sorbonne Université
Classification: Likely pathogenic for Periventricular nodular heterotopia 8. Last evaluated: 2022-03-12. Review status: criteria provided, single submitter. Criteria: ACMG Guidelines, 2015. Collection method: clinical testing. Allele origin: de novo. Affected: yes.
Comment: PS2, PM2, PP3, PP2

Institute of Human Genetics Munich, TUM University Hospital
Classification: Likely pathogenic for Periventricular nodular heterotopia 8. Last evaluated: 2021-04-30. Review status: criteria provided, single submitter. Criteria: Classification criteria August 2017. Collection method: clinical testing. Allele origin: de novo. Inheritance: Autosomal dominant inheritance. Affected: yes. Observed: 1 variant allele.

NM_001658.4(ARF1):c.55C>T (p.Arg19Cys)

Gene: ARF1 (ARF GTPase 1; plus strand). Cytogenetic location: 1q42.13.
Variant type: single nucleotide variant.
Coding change: c.55C>T on transcript NM_001658.4 (MANE Select); coding-DNA position 55, C replaced by T.
Protein change: p.Arg19Cys; replaces arginine 19 with cysteine.
Molecular consequence: missense variant.
Genome position (GRCh38, 1-based): chr1:228,097,169, C>T. VCF-style: chr1-228097169-C-T. GRCh37 (hg19) VCF-style: chr1-228284870-C-T.
Other names: c.55C>T, p.Arg19Cys (NM_001024227.1, NM_001024228.2, NM_001024226.2); short protein forms R19C.
Identifiers: ClinVar variation 1343801 (VCV001343801.2), dbSNP rs2124857065, ClinGen allele CA345077745.
Genomic context (GRCh38, chr1:228,097,169, plus strand): 5'-ACAAGCATGGGGAACATCTTCGCCAACCTCTTCAAGGGCCTTTTTGGCAAAAAAGAAATG[C>T]GCATCCTCATGGTGGGCCTGGATGCTGCAGGGAAGACCACGATCCTCTACAAGCTTAAGC-3'
Protein context (NP_001649.1, residues 9-29): FKGLFGKKEM[Arg19Cys]ILMVGLDAAG